The following is an entry in ClinVar:

ClinVar aggregate classification (germline): Uncertain significance (1 of 4 stars; one submission).

Submission:

CeGaT Center for Human Genetics Tuebingen
Classification: Uncertain significance. Last evaluated: 2026-03-01. Review status: criteria provided, single submitter. Criteria: CeGaT Center For Human Genetics Tuebingen Variant Classification Criteria Version 2. Collection method: clinical testing. Allele origin: germline. Affected: yes. Observed: 1 variant allele.
Comment: KDM6B: PM2

NM_001348716.2(KDM6B):c.1969C>T (p.Pro657Ser)

Gene: KDM6B (lysine demethylase 6B; plus strand). Cytogenetic location: 17p13.1.
Variant type: single nucleotide variant.
Coding change: c.1969C>T on transcript NM_001348716.2 (MANE Select); coding-DNA position 1969, C replaced by T.
Protein change: p.Pro657Ser; replaces proline 657 with serine.
Molecular consequence: missense variant.
Genome position (GRCh38, 1-based): chr17:7,848,257, C>T. VCF-style: chr17-7848257-C-T. GRCh37 (hg19) VCF-style: chr17-7751575-C-T.
Other names: c.1969C>T, p.Pro657Ser (NM_001080424.2); short protein forms P657S.
Identifiers: ClinVar variation 4823564 (VCV004823564.4).
Genomic context (GRCh38, chr17:7,848,257, plus strand): 5'-ACCCCCGAGGTGGGGCCGGGGCCACCCCCAGGCCCCCTGAGTAAAGCCCCCCAGCCTGTG[C>T]CGCCCGGGGTTGGGGAGCTGCCTGCCCGAGGCCCTCGACTCTTTGATTTTCCCCCCACTC-3'
Protein context (NP_001335645.1, residues 647-667): GPLSKAPQPV[Pro657Ser]PGVGELPARG